The following is an entry in ClinVar:

ClinVar aggregate classification (germline): Conflicting classifications of pathogenicity. Review status: criteria provided, conflicting classifications (1 of 4 stars). 3 submissions from 3 submitters: Pathogenic (1); Likely pathogenic (1); Uncertain significance (1). Last evaluated 2024-06-17.

Conditions:
PCARE-related disorder. Also called: PCARE-related condition.
Retinitis pigmentosa 54 (RP54). Identifiers: Orphanet 791, MedGen C3150691, MONDO:0013263, OMIM 613428.

Allele frequency attached by ClinVar (database versions not stated): gnomAD exomes below 0.00001; ExAC 0.00001.
gnomAD v4.1: 1 of 1,613,856 alleles (0.000062%); highest among the groups gnomAD compares: Admixed American, 0.0017%; no homozygotes.

Submissions (3):

Labcorp Genetics (formerly Invitae), Labcorp
Classification: Pathogenic. Last evaluated: 2024-06-17. Review status: criteria provided, single submitter. Criteria: Invitae Variant Classification Sherloc (09022015). Collection method: clinical testing. Allele origin: germline.
Comment: This sequence change replaces histidine, which is basic and polar, with arginine, which is basic and polar, at codon 184 of the PCARE protein (p.His184Arg). This variant is present in population databases (rs774515390, gnomAD 0.003%). This missense change has been observed in individual(s) with retinitis pigmentosa (Invitae). In at least one individual the data is consistent with being in trans (on the opposite chromosome) from a pathogenic variant. ClinVar contains an entry for this variant (Variation ID: 1363488). An algorithm developed to predict the effect of missense changes on protein structure and function (PolyPhen-2) suggests that this variant is likely to be disruptive. For these reasons, this variant has been classified as Pathogenic.

3billion
Classification: Uncertain significance for Retinitis pigmentosa 54. Last evaluated: 2023-12-20. Review status: criteria provided, single submitter. Criteria: ACMG Guidelines, 2015. Collection method: clinical testing. Allele origin: germline. Affected: yes.
Comment: The variant is observed at an extremely low frequency in the gnomAD v2.1.1 dataset (total allele frequency: <0.001%). Predicted Consequence/Location: The majority of the known disease-causing variants of this gene are variants expected to result in premature termination of the protein. In silico tool predictions suggest damaging effect of the variant on gene or gene product [REVEL: 0.67 (>=0.6, sensitivity 0.68 and specificity 0.92); 3Cnet: 0.64 (>=0.6, sensitivity 0.72 and precision 0.9)]. Same nucleotide change resulting in same amino acid change has been previously reported to be associated with PCARE related disorder (ClinVar ID: VCV001363488). However, the evidence of pathogenicity is insufficient at this time. Therefore, this variant is classified as VUS according to the recommendation of ACMG/AMP guideline.

Blueprint Genetics
Classification: Likely pathogenic for PCARE-related disorders. Last evaluated: 2022-12-01. Review status: criteria provided, single submitter. Criteria: ACMG Guidelines, 2015. Collection method: clinical testing. Allele origin: germline. Affected: yes. Observed: 1 variant allele.

NM_001029883.3(PCARE):c.551A>G (p.His184Arg)

Gene: PCARE (photoreceptor cilium actin regulator; minus strand). Cytogenetic location: 2p23.2.
Variant type: single nucleotide variant.
Coding change: c.551A>G on transcript NM_001029883.3 (MANE Select); coding-DNA position 551, A replaced by G.
Protein change: p.His184Arg; replaces histidine 184 with arginine.
Molecular consequence: missense variant.
Genome position (GRCh38, 1-based): chr2:29,073,711, T>C on the plus strand (A>G on the coding strand, the complement: PCARE is on the minus strand). VCF-style: chr2-29073711-T-C. GRCh37 (hg19) VCF-style: chr2-29296577-T-C.
Other names: short protein forms H184R.
Identifiers: ClinVar variation 1363488 (VCV001363488.8), dbSNP rs774515390, ClinGen allele CA1592634.